The following is an entry in ClinVar:

NM_001387274.1(DCDC1):c.860A>G (p.Lys287Arg)

Gene: DCDC1 (doublecortin domain containing 1; minus strand). Cytogenetic location: 11p13.
Variant type: single nucleotide variant.
Coding change: c.860A>G on transcript NM_001387274.1 (MANE Select); coding-DNA position 860, A replaced by G.
Protein change: p.Lys287Arg; replaces lysine 287 with arginine.
Molecular consequence: missense variant.
Genome position (GRCh38, 1-based): chr11:31,290,747, T>C on the plus strand (A>G on the coding strand, the complement: DCDC1 is on the minus strand). VCF-style: chr11-31290747-T-C. GRCh37 (hg19) VCF-style: chr11-31312294-T-C.
Other names: c.860A>G, p.Lys287Arg (NM_001367979.1, NM_181807.4); short protein forms K287R.
Identifiers: ClinVar variation 3712804 (VCV003712804.2).

ClinVar aggregate classification (germline): Uncertain significance (1 of 4 stars; one submission).

gnomAD v4.1: 12 of 1,613,556 alleles (0.00074%); highest among the groups gnomAD compares: Non-Finnish European, 0.00093%; no homozygotes.

Submission:

Labcorp Genetics (formerly Invitae), Labcorp
Classification: Uncertain significance. Last evaluated: 2024-10-10. Review status: criteria provided, single submitter. Criteria: Invitae Variant Classification Sherloc (09022015). Collection method: clinical testing. Allele origin: germline.
Comment: This sequence change replaces lysine, which is basic and polar, with arginine, which is basic and polar, at codon 287 of the DCDC1 protein (p.Lys287Arg). This variant is present in population databases (rs763777697, gnomAD 0.004%). This variant has not been reported in the literature in individuals affected with DCDC1-related conditions. An algorithm developed to predict the effect of missense changes on protein structure and function (PolyPhen-2) suggests that this variant is likely to be tolerated. In summary, the available evidence is currently insufficient to determine the role of this variant in disease. Therefore, it has been classified as a Variant of Uncertain Significance.